The following is an entry in ClinVar:

NM_023110.3(FGFR1):c.1431-1G>A

Gene: FGFR1 (fibroblast growth factor receptor 1; minus strand). Cytogenetic location: 8p11.23.
Variant type: single nucleotide variant.
Coding change: c.1431-1G>A on transcript NM_023110.3 (MANE Select); the canonical splice acceptor site of the intron before coding-DNA position 1431, G replaced by A.
Molecular consequence: splice acceptor variant.
Genome position (GRCh38, 1-based): chr8:38,417,992, C>T on the plus strand (G>A on the coding strand, the complement: FGFR1 is on the minus strand). VCF-style: chr8-38417992-C-T. GRCh37 (hg19) VCF-style: chr8-38275510-C-T.
Other names: c.1152-1G>A (NM_001354368.2); c.1158-1G>A (NM_001354370.2, NM_023106.3); c.1164-1G>A (NM_023105.3, NM_001174066.2); c.1425-1G>A (NM_001354367.2, NM_015850.4, NM_001174063.2 and 1 more transcripts); c.1401-1G>A (NM_001174064.2); c.1419-1G>A (NM_001354369.2, NM_001410922.1); c.1524-1G>A (NM_001174067.2).
Identifiers: ClinVar variation 280606 (VCV000280606.2), dbSNP rs886041780, ClinGen allele CA10603052.

ClinVar aggregate classification (germline): Pathogenic (1 of 4 stars; one submission).

Submission:

GeneDx
Classification: Pathogenic. Last evaluated: 2016-07-12. Review status: criteria provided, single submitter. Criteria: GeneDx Variant Classification (06012015). Collection method: clinical testing. Allele origin: germline. Affected: yes.
Comment: The c.1431-1 G>A splice site variant in the FGFR1 gene destroys the canonical splice acceptor site in intron 10. It is predicted to cause abnormal gene splicing, either leading to an abnormal message that is subject to nonsense-mediated mRNA decay, or to an abnormal protein product if the message is used for protein translation. The variant was not observed in approximately 6,000 individuals of European and African American ancestry in the NHLBI Exome Sequencing Project, indicating it is not a common benign variant in these populations. Although this variant has not been previously reported to our knowledge, its presence is consistent with the diagnosis of hypogonadotropic hypogonadism